The following is an entry in ClinVar:

NM_015047.3(EMC1):c.958G>A (p.Ala320Thr)

Genes: EMC1 (ER membrane protein complex subunit 1; minus strand), EMC1-AS1 (EMC1 antisense RNA 1; plus strand). Cytogenetic location: 1p36.13.
Variant type: single nucleotide variant.
Coding change: c.958G>A on transcript NM_015047.3 (MANE Select); coding-DNA position 958, G replaced by A.
Protein change: p.Ala320Thr; replaces alanine 320 with threonine.
Molecular consequence: missense variant.
Genome position (GRCh38, 1-based): chr1:19,239,299, C>T on the plus strand (G>A on the coding strand, the complement: EMC1 is on the minus strand). VCF-style: chr1-19239299-C-T. GRCh37 (hg19) VCF-style: chr1-19565793-C-T.
Other names: c.958G>A, p.Ala320Thr (NM_001271427.2, NM_001271428.2, NM_001375820.1 and 1 more transcripts); c.892G>A, p.Ala298Thr (NM_001271429.2); short protein forms A298T, A320T.
Identifiers: ClinVar variation 1718914 (VCV001718914.5), dbSNP rs2536775566, ClinGen allele CA338767834.

ClinVar aggregate classification (germline): Uncertain significance (1 of 4 stars; one submission).

Submission:

Labcorp Genetics (formerly Invitae), Labcorp
Classification: Uncertain significance. Last evaluated: 2022-07-19. Review status: criteria provided, single submitter. Criteria: Invitae Variant Classification Sherloc (09022015). Collection method: clinical testing. Allele origin: germline.
Comment: This sequence change replaces alanine, which is neutral and non-polar, with threonine, which is neutral and polar, at codon 320 of the EMC1 protein (p.Ala320Thr). This variant is not present in population databases (gnomAD no frequency). In summary, the available evidence is currently insufficient to determine the role of this variant in disease. Therefore, it has been classified as a Variant of Uncertain Significance. Algorithms developed to predict the effect of missense changes on protein structure and function output the following: SIFT: "Tolerated"; PolyPhen-2: "Benign"; Align-GVGD: "Class C0". The threonine amino acid residue is found in multiple mammalian species, which suggests that this missense change does not adversely affect protein function. This variant has not been reported in the literature in individuals affected with EMC1-related conditions.